The following is an entry in ClinVar:

ClinVar aggregate classification (germline): Uncertain significance (1 of 4 stars; one submission).

Allele frequency attached by ClinVar (database versions not stated): TOPMed below 0.00001; ExAC 0.00002.
gnomAD v4.1: 10 of 1,612,688 alleles (0.00062%); highest among the groups gnomAD compares: Non-Finnish European, 0.00076%; no homozygotes.

Submission:

Labcorp Genetics (formerly Invitae), Labcorp
Classification: Uncertain significance. Last evaluated: 2022-03-04. Review status: criteria provided, single submitter. Criteria: Invitae Variant Classification Sherloc (09022015). Collection method: clinical testing. Allele origin: germline.
Comment: This sequence change replaces serine, which is neutral and polar, with threonine, which is neutral and polar, at codon 261 of the KCNK4 protein (p.Ser261Thr). This variant is present in population databases (rs769858736, gnomAD 0.002%). This variant has not been reported in the literature in individuals affected with KCNK4-related conditions. Algorithms developed to predict the effect of missense changes on protein structure and function are either unavailable or do not agree on the potential impact of this missense change (SIFT: "Not Available"; PolyPhen-2: "Benign"; Align-GVGD: "Not Available"). In summary, the available evidence is currently insufficient to determine the role of this variant in disease. Therefore, it has been classified as a Variant of Uncertain Significance.

NM_033310.3(KCNK4):c.781T>A (p.Ser261Thr)

Genes: KCNK4 (potassium two pore domain channel subfamily K member 4; plus strand), KCNK4-CATSPERZ (KCNK4-CATSPERZ readthrough (NMD candidate); plus strand). Cytogenetic location: 11q13.1.
Variant type: single nucleotide variant.
Coding change: c.781T>A on transcript NM_033310.3 (MANE Select); coding-DNA position 781, T replaced by A.
Protein change: p.Ser261Thr; replaces serine 261 with threonine.
Molecular consequence: missense variant. On other transcripts: non-coding transcript variant (3).
Genome position (GRCh38, 1-based): chr11:64,298,229, T>A. VCF-style: chr11-64298229-T-A. GRCh37 (hg19) VCF-style: chr11-64065701-T-A.
Other names: c.781T>A, p.Ser261Thr (NM_001317090.2, NM_033311.1); short protein forms S261T.
Identifiers: ClinVar variation 2065485 (VCV002065485.4), dbSNP rs769858736, ClinGen allele CA6073165.